The following is an entry in ClinVar:

ClinVar aggregate classification (germline): Likely benign (1 of 4 stars; one submission).

Submission:

ARUP Laboratories, Molecular Genetics and Genomics, ARUP Laboratories
Classification: Likely benign. Last evaluated: 2025-07-17. Review status: criteria provided, single submitter. Criteria: ARUP Molecular Germline Variant Investigation Process 2024. Collection method: clinical testing. Allele origin: germline.
Comment: The Hb Shimonoseki variant (HBA2: c.164A>G; p.Gln55Arg, also known as Gln54Arg when numbered from the mature protein, rs281864839, ClinVar Variation ID: 811637, HbVar ID: 77) is reported in the heterozygous state in individuals with no clinical or hematological findings (Sharma 2024, Theodoridou 2018, HbVar database and references therein). This variant is also absent from the Genome Aggregation Database (v2.1.1), indicating it is not a common polymorphism. Computational analyses are uncertain whether this variant is neutral or deleterious (REVEL: 0.643). Based on available information, the Hb Shimonoseki variant is considered to be likely benign. References: Link to HbVar database: Sharma P et al. Hemoglobin Shimonoseki HBA1:c.164A?>?G Illustrating the Continuing Utility of the Sickling Test and the Challenges in Antenatal Genetic Counselling. Indian J Hematol Blood Transfus. 2024 Jan;40(1):166-168. PMID: 38312191. Theodoridou S et al. First Report of a Coincidental Discovery of Hb Shimonoseki (alpha54(E3)Gln?Arg, HBA2: c.164A?>?G (or HBA1)) in a Greek Family. Hemoglobin. 2018 Jul;42(4):281-282. PMID: 30821196.

NM_000517.6(HBA2):c.164A>G (p.Gln55Arg)

Genes: HBA2 (hemoglobin subunit alpha 2; plus strand), LOC106804612 (hemoglobin subunit alpha 2 recombination region; plus strand). Cytogenetic location: 16p13.3.
Variant type: single nucleotide variant.
Coding change: c.164A>G on transcript NM_000517.6 (MANE Select); coding-DNA position 164, A replaced by G.
Protein change: p.Gln55Arg; replaces glutamine 55 with arginine.
Molecular consequence: missense variant.
Genome position (GRCh38, 1-based): chr16:173,193, A>G. VCF-style: chr16-173193-A-G. GRCh37 (hg19) VCF-style: chr16-223192-A-G.
Other names: short protein forms Q55R.
Identifiers: ClinVar variation 811637 (VCV000811637.10), dbSNP rs281864839, ClinGen allele CA276414692.